The following is an entry in ClinVar:

ClinVar aggregate classification (germline): Uncertain significance. Review status: criteria provided, multiple submitters, no conflicts (2 of 4 stars). 2 submissions from 2 submitters: Uncertain significance (2). Last evaluated 2025-10-27.

Conditions:
Inborn genetic diseases. Identifiers: MedGen C0950123, MeSH D030342.

gnomAD v4.1: 17 of 1,613,670 alleles (0.0011%); highest among the groups gnomAD compares: Non-Finnish European, 0.0012%; no homozygotes.

Submissions (2):

Labcorp Genetics (formerly Invitae), Labcorp
Classification: Uncertain significance. Last evaluated: 2025-10-27. Review status: criteria provided, single submitter. Criteria: Invitae Variant Classification Sherloc (09022015). Collection method: clinical testing. Allele origin: germline.
Comment: This sequence change replaces arginine, which is basic and polar, with tryptophan, which is neutral and slightly polar, at codon 81 of the NDUFA13 protein (p.Arg81Trp). This variant is present in population databases (no rsID available, gnomAD 0.0009%). This variant has not been reported in the literature in individuals affected with NDUFA13-related conditions. ClinVar contains an entry for this variant (Variation ID: 3918340). An algorithm developed to predict the effect of missense changes on protein structure and function (PolyPhen-2) suggests that this variant is likely to be disruptive. In summary, the available evidence is currently insufficient to determine the role of this variant in disease. Therefore, it has been classified as a Variant of Uncertain Significance.

Ambry Genetics
Classification: Uncertain significance for Inborn genetic diseases. Last evaluated: 2025-05-06. Review status: criteria provided, single submitter. Criteria: Ambry Variant Classification Scheme 2023. Collection method: clinical testing. Allele origin: germline.

NM_015965.7(NDUFA13):c.241C>T (p.Arg81Trp)

Gene: NDUFA13 (NADH:ubiquinone oxidoreductase subunit A13; plus strand). Cytogenetic location: 19p13.11.
Variant type: single nucleotide variant.
Coding change: c.241C>T on transcript NM_015965.7 (MANE Select); coding-DNA position 241, C replaced by T.
Protein change: p.Arg81Trp; replaces arginine 81 with tryptophan.
Molecular consequence: missense variant.
Genome position (GRCh38, 1-based): chr19:19,527,348, C>T. VCF-style: chr19-19527348-C-T. GRCh37 (hg19) VCF-style: chr19-19638157-C-T.
Other names: short protein forms R81W.
Identifiers: ClinVar variation 3918340 (VCV003918340.2).